The following is an entry in ClinVar:

NM_001457.4(FLNB):c.1006C>T (p.Gln336Ter)

Gene: FLNB (filamin B; plus strand). Cytogenetic location: 3p14.3.
Variant type: single nucleotide variant.
Coding change: c.1006C>T on transcript NM_001457.4 (MANE Select); coding-DNA position 1006, C replaced by T.
Protein change: p.Gln336Ter; replaces glutamine 336 with a stop codon.
Molecular consequence: nonsense.
Genome position (GRCh38, 1-based): chr3:58,097,836, C>T. VCF-style: chr3-58097836-C-T. GRCh37 (hg19) VCF-style: chr3-58083563-C-T.
Other names: c.1006C>T, p.Gln336Ter (NM_001164317.2, NM_001164318.2, NM_001164319.2); short protein forms Q336*.
Identifiers: ClinVar variation 1925259 (VCV001925259.4), dbSNP rs375699133, ClinGen allele CA2467686.

ClinVar aggregate classification (germline): Pathogenic (1 of 4 stars; one submission).

Allele frequency attached by ClinVar (database versions not stated): ExAC 0.00001; gnomAD 0.00003; TOPMed 0.00004; gnomAD exomes 0.00005; ESP Exome Variant Server 0.00008.

Submission:

Labcorp Genetics (formerly Invitae), Labcorp
Classification: Pathogenic. Last evaluated: 2026-01-20. Review status: criteria provided, single submitter. Criteria: Invitae Variant Classification Sherloc (09022015). Collection method: clinical testing. Allele origin: germline.
Comment: This sequence change creates a premature translational stop signal (p.Gln336*) in the FLNB gene. It is expected to result in an absent or disrupted protein product. Loss-of-function variants in FLNB are known to be pathogenic (PMID: 14991055). This variant is present in population databases (rs375699133, gnomAD 0.004%). This variant has not been reported in the literature in individuals affected with FLNB-related conditions. ClinVar contains an entry for this variant (Variation ID: 1925259). For these reasons, this variant has been classified as Pathogenic.

Literature cited by the submitters: PubMed 14991055.